The following is an entry in ClinVar:

NM_006371.5(CRTAP):c.14_15dup (p.Arg6fs)

Genes: CRTAP (cartilage associated protein; plus strand), LOC129936436 (ATAC-STARR-seq lymphoblastoid silent region 14183; plus strand). Cytogenetic location: 3p22.3.
Variant type: Microsatellite.
Coding change: c.14_15dup on transcript NM_006371.5 (MANE Select); coding-DNA positions 14 to 15, 2 bases duplicated (GC; older notation c.14_15dupGC).
Protein change: p.Arg6fs; shifts the reading frame from arginine 6.
Molecular consequence: frameshift variant.
Genome position (GRCh38, 1-based): chr3:33,114,091-33,114,092, GC duplicated; duplicating any 2 consecutive bases within chr3:33,114,089-33,114,092 gives the same sequence; the c. name uses the placement nearest the transcript's 3' end. VCF-style (leftmost placement, unchanged base first): chr3-33114088-G-GGC. GRCh37 (hg19) VCF-style: chr3-33155580-G-GGC.
Other names: c.14_15dup, p.Arg6fs (NM_001393363.1, NM_001393364.1, NM_001393365.1); short protein forms R6fs.
Identifiers: ClinVar variation 4809582 (VCV004809582.1).

ClinVar aggregate classification (germline): Pathogenic (1 of 4 stars; one submission).

Conditions:
Osteogenesis imperfecta type 7 (OI7). Also called: OSTEOGENESIS IMPERFECTA, TYPE IIB; Osteogenesis imperfecta type 2B; OI type 2B; Osteogenesis imperfecta, perinatal lethal autosomal recessive; OI type IIB; OI type 7. Identifiers: MedGen C1853162, MONDO:0012536, OMIM 610682.

Submission:

Labcorp Genetics (formerly Invitae), Labcorp
Classification: Pathogenic for Osteogenesis imperfecta type 7. Last evaluated: 2025-01-30. Review status: criteria provided, single submitter. Criteria: Invitae Variant Classification Sherloc (09022015). Collection method: clinical testing. Allele origin: germline.
Comment: This sequence change creates a premature translational stop signal (p.Arg6Alafs*8) in the CRTAP gene. It is expected to result in an absent or disrupted protein product. Loss-of-function variants in CRTAP are known to be pathogenic (PMID: 17055431, 19862557, 24715559). This variant is not present in population databases (gnomAD no frequency). This variant has not been reported in the literature in individuals affected with CRTAP-related conditions. For these reasons, this variant has been classified as Pathogenic.

Literature cited by the submitters: PubMed 17055431; PubMed 19862557; PubMed 24715559.